The following is an entry in ClinVar:

ClinVar aggregate classification (germline): Likely benign (1 of 4 stars; one submission).

Allele frequency attached by ClinVar (database versions not stated): ESP Exome Variant Server 0.00008; TOPMed 0.00025; gnomAD 0.00028; ExAC 0.00048.
gnomAD v4.1: 542 of 1,614,056 alleles (0.034%); highest among the groups gnomAD compares: Middle Eastern, 0.066%; 4 homozygotes.

Submission:

CeGaT Center for Human Genetics Tuebingen
Classification: Likely benign. Last evaluated: 2025-11-01. Review status: criteria provided, single submitter. Criteria: CeGaT Center For Human Genetics Tuebingen Variant Classification Criteria Version 2. Collection method: clinical testing. Allele origin: germline. Affected: yes. Observed: 3 variant alleles.
Comment: SPEN: BP4

NM_015001.3(SPEN):c.7405A>G (p.Ile2469Val)

Gene: SPEN (spen family transcriptional repressor; plus strand). Cytogenetic location: 1p36.13.
Variant type: single nucleotide variant.
Coding change: c.7405A>G on transcript NM_015001.3 (MANE Select); coding-DNA position 7405, A replaced by G.
Protein change: p.Ile2469Val; replaces isoleucine 2469 with valine.
Molecular consequence: missense variant.
Genome position (GRCh38, 1-based): chr1:15,933,645, A>G. VCF-style: chr1-15933645-A-G. GRCh37 (hg19) VCF-style: chr1-16260140-A-G.
Other names: short protein forms I2469V.
Identifiers: ClinVar variation 2638333 (VCV002638333.24), dbSNP rs201310844, ClinGen allele CA620091.